The following is an entry in ClinVar:

ClinVar aggregate classification (germline): Pathogenic/Likely pathogenic. Review status: criteria provided, multiple submitters, no conflicts (2 of 4 stars). 5 submissions from 5 submitters: Pathogenic (1); Likely pathogenic (3). 1 of the submissions does not count toward it. Last evaluated 2024-09-05.

Conditions:
Inborn genetic diseases. Identifiers: MedGen C0950123, MeSH D030342.
Early-infantile DEE. Also called: Ohtahara syndrome; Early infantile epileptic encephalopathy; Early infantile epileptic encephalopathy with suppression bursts. Identifiers: Orphanet 1934, MedGen C0393706, MONDO:0800491.
Generalized epilepsy with febrile seizures plus, type 2 (GEFSP2). Also called: GEFS+, TYPE 2. Identifiers: Orphanet 36387, MedGen C1858673, MONDO:0011461, OMIM 604403.
Severe myoclonic epilepsy in infancy (DRVT). Also called: SEVERE MYOCLONIC EPILEPSY OF INFANCY; DEVELOPMENTAL AND EPILEPTIC ENCEPHALOPATHY 6A; Dravet syndrome; Epileptic encephalopathy, early infantile, 6 (Dravet syndrome); Severe Myoclonic Epilepsy in Infancy (SMEI). Identifiers: Orphanet 33069, MedGen C0751122, MONDO:0100135, OMIM 607208.

Allele frequency attached by ClinVar (database versions not stated): gnomAD exomes below 0.00001.

Submissions (5):

GeneDx
Classification: Likely pathogenic. Last evaluated: 2024-09-05. Review status: criteria provided, single submitter. Criteria: GeneDx Variant Classification Process June 2021. Collection method: clinical testing. Allele origin: germline. Affected: yes.
Comment: Not observed at significant frequency in large population cohorts (gnomAD); In silico analysis supports that this missense variant has a deleterious effect on protein structure/function; This substitution is predicted to be in the cytoplasmic loop between the third and fourth homologous domains; This variant is associated with the following publications: (PMID: 23398550, Liang2018[noPMID], Caraballo2024[CaseReport], 32845893, 39181834, 29655203, 33391346, 35663268)

Labcorp Genetics (formerly Invitae), Labcorp
Classification: Pathogenic for Early-infantile DEE. Last evaluated: 2024-05-05. Review status: criteria provided, single submitter. Criteria: Invitae Variant Classification Sherloc (09022015). Collection method: clinical testing. Allele origin: germline.
Comment: This sequence change replaces proline, which is neutral and non-polar, with threonine, which is neutral and polar, at codon 1519 of the SCN1A protein (p.Pro1519Thr). This variant is not present in population databases (gnomAD no frequency). This missense change has been observed in individual(s) with SCN1A-related conditions (PMID: 23398550, 33391346; Invitae). In at least one individual the variant was observed to be de novo. This variant is also known as c.4522C>A (p.Pro1508Thr). ClinVar contains an entry for this variant (Variation ID: 206838). Advanced modeling of protein sequence and biophysical properties (such as structural, functional, and spatial information, amino acid conservation, physicochemical variation, residue mobility, and thermodynamic stability) performed at Invitae indicates that this missense variant is expected to disrupt SCN1A protein function with a positive predictive value of 95%. For these reasons, this variant has been classified as Pathogenic.

Epilepsy and Neurogenetic Laboratory, Kaohsiung Chang Gung Memorial Hospital
Classification: Likely pathogenic for Generalized epilepsy with febrile seizures plus, type 2. Last evaluated: 2020-02-28. Review status: criteria provided, single submitter. Criteria: ACMG Guidelines, 2015. Collection method: research. Allele origin: paternal. Inheritance: Autosomal dominant inheritance with paternal imprinting. Affected: yes. Observed: 1 heterozygote.
Comment: According to ACMG guidelines, this variant is classified as likely pathogenic due to PM1: Located in a mutational hot spot and/or critical and well-established functional domain (e.g., active site of an enzyme) without benign variation; PM2: Absent from controls (or at extremely low frequency if recessive) in Exome Sequencing Project, 1000 Genomes Project, or Exome Aggregation Consortium; PP1: Cosegregation with disease in multiple affected family members in a gene definitively known to cause the disease; PP3: Multiple lines of computational evidence support a deleterious effect on the gene or gene product (conservation, evolutionary, splicing impact, etc.).

Unidad de Genómica Garrahan, Hospital de Pediatría Garrahan
Classification: Likely pathogenic for Severe myoclonic epilepsy in infancy. Last evaluated: 2019-01-01. Review status: criteria provided, single submitter. Criteria: ACMG Guidelines, 2015. Collection method: clinical testing. Allele origin: germline. Affected: yes. Observed: 1 variant allele.

Ambry Genetics
Classification: Uncertain significance for Inborn genetic diseases. Last evaluated: 2021-06-25. Review status: flagged submission. Criteria: Ambry Variant Classification Scheme 2023. Collection method: clinical testing. Allele origin: germline. Not counted in ClinVar's aggregate classification.
Comment: Moehring, 2013; Lindy, 2018 Based on insufficient or conflicting evidence, the clinical significance of this alteration remains unclear.
ClinVar note: Reason: Outlier claim with insufficient supporting evidence

Literature cited by the submitters: PubMed 23398550 (cited by Labcorp Genetics (formerly Invitae), Labcorp and Ambry Genetics); PubMed 33391346 (cited by Labcorp Genetics (formerly Invitae), Labcorp); DOI 10.1055/s-0044-1786365 (cited by Unidad de Genómica Garrahan, Hospital de Pediatría Garrahan); PubMed 29655203 (cited by Ambry Genetics).

NM_001165963.4(SCN1A):c.4555C>A (p.Pro1519Thr)

Genes: SCN1A (sodium voltage-gated channel alpha subunit 1; minus strand), LOC102724058 (uncharacterized LOC102724058; plus strand). Cytogenetic location: 2q24.3.
Variant type: single nucleotide variant.
Coding change: c.4555C>A on transcript NM_001165963.4 (MANE Select); coding-DNA position 4555, C replaced by A.
Protein change: p.Pro1519Thr; replaces proline 1519 with threonine.
Molecular consequence: missense variant. On other transcripts: non-coding transcript variant (1).
Genome position (GRCh38, 1-based): chr2:165,996,039, G>T on the plus strand (C>A on the coding strand, the complement: SCN1A is on the minus strand). VCF-style: chr2-165996039-G-T. GRCh37 (hg19) VCF-style: chr2-166852549-G-T.
Other names: p.P1519T:CCG>ACG; NP_001159435.1:p.(Pro1519Thr); c.4471C>A, p.Pro1491Thr (NM_001165964.3, NM_001353957.2, NM_001353958.2); c.4555C>A, p.Pro1519Thr (NM_001202435.3, NM_001353948.2); c.4522C>A, p.Pro1508Thr (NM_001353949.2, NM_001353950.2, NM_001353951.2 and 2 more transcripts); c.4519C>A, p.Pro1507Thr (NM_001353954.2, NM_001353955.2); c.4468C>A, p.Pro1490Thr (NM_001353960.2); c.2113C>A, p.Pro705Thr (NM_001353961.2); short protein forms P1508T, P1519T, P705T, P1490T, P1491T, P1507T.
Identifiers: ClinVar variation 206838 (VCV000206838.15), dbSNP rs796053021, ClinGen allele CA317497.